The following is an entry in ClinVar:

NM_014875.3(KIF14):c.3396A>G (p.Leu1132=)

Gene: KIF14 (kinesin family member 14; minus strand). Cytogenetic location: 1q32.1.
Variant type: single nucleotide variant.
Coding change: c.3396A>G on transcript NM_014875.3 (MANE Select); coding-DNA position 3396, A replaced by G.
Protein change: p.Leu1132=; no amino-acid change (leucine 1132 retained).
Molecular consequence: synonymous variant.
Genome position (GRCh38, 1-based): chr1:200,580,323, T>C on the plus strand (A>G on the coding strand, the complement: KIF14 is on the minus strand). VCF-style: chr1-200580323-T-C. GRCh37 (hg19) VCF-style: chr1-200549451-T-C.
Other names: p.Leu1132=; c.1923A>G, p.Leu641= (NM_001305792.1).
Identifiers: ClinVar variation 1619293 (VCV001619293.10), dbSNP rs115265657, ClinGen allele CA1317273.

ClinVar aggregate classification (germline): Benign. Review status: criteria provided, multiple submitters, no conflicts (2 of 4 stars). 3 submissions from 3 submitters: Benign (3). Last evaluated 2026-02-04.

Allele frequency attached by ClinVar (database versions not stated): gnomAD 0.02294 and 0.02317; gnomAD exomes 0.02418 and 0.03052; 1000 Genomes Project 0.01617; TOPMed 0.02343; ExAC 0.03148; 1000 Genomes Project 30x 0.01780; ESP Exome Variant Server 0.02294.
gnomAD v4.1: 45,385 of 1,528,696 alleles (3%); highest among the groups gnomAD compares: Middle Eastern, 5.6%; 782 homozygotes.

Submissions (3):

Labcorp Genetics (formerly Invitae), Labcorp
Classification: Benign. Last evaluated: 2026-02-04. Review status: criteria provided, single submitter. Criteria: Invitae Variant Classification Sherloc (09022015). Collection method: clinical testing. Allele origin: germline.

Mayo Clinic Laboratories, Mayo Clinic
Classification: Benign. Last evaluated: 2023-08-10. Review status: criteria provided, single submitter. Criteria: ACMG Guidelines, 2015. Collection method: clinical testing. Allele origin: germline. Observed: 4 variant alleles.
Comment: BS1, BS2, BP4, BP7

Breakthrough Genomics
Classification: Benign. Review status: criteria provided, single submitter. Criteria: ACMG Guidelines, 2015. Collection method: not provided. Allele origin: germline. Inheritance: Autosomal recessive inheritance. Affected: yes.